The following is an entry in ClinVar:

ClinVar aggregate classification (germline): Uncertain significance. Review status: criteria provided, multiple submitters, no conflicts (2 of 4 stars). 2 submissions from 2 submitters: Uncertain significance (2). Last evaluated 2024-05-03.

Conditions:
Neuronal ceroid lipofuscinosis. Also called: Neuronal Ceroid Lipofuscinoses. Identifiers: Orphanet 216, Orphanet 79263, MedGen C0027877, MONDO:0016295. Disease mechanism: loss of function.

Allele frequency attached by ClinVar (database versions not stated): gnomAD exomes 0.00001.
gnomAD v4.1: 12 of 1,613,372 alleles (0.00074%); highest among the groups gnomAD compares: Non-Finnish European, 0.001%; no homozygotes.

Submissions (2):

Women's Health and Genetics/Laboratory Corporation of America, LabCorp
Classification: Uncertain significance. Last evaluated: 2024-05-03. Review status: criteria provided, single submitter. Criteria: LabCorp Variant Classification Summary - May 2015. Collection method: clinical testing. Allele origin: germline.
Comment: Variant summary: CTSD c.256G>A (p.Gly86Arg) results in a non-conservative amino acid change located in the Peptidase family A1 domain (IPR033121) of the encoded protein sequence. Five of five in-silico tools predict a damaging effect of the variant on protein function. The variant was absent in 250204 control chromosomes. The available data on variant occurrences in the general population are insufficient to allow any conclusion about variant significance. To our knowledge, no occurrence of c.256G>A in individuals affected with Neuronal Ceroid-Lipofuscinosis (Batten Disease) and no experimental evidence demonstrating its impact on protein function have been reported. ClinVar contains an entry for this variant (Variation ID: 1396731). Based on the evidence outlined above, the variant was classified as uncertain significance.

Labcorp Genetics (formerly Invitae), Labcorp
Classification: Uncertain significance for Neuronal ceroid lipofuscinosis. Last evaluated: 2022-07-19. Review status: criteria provided, single submitter. Criteria: Invitae Variant Classification Sherloc (09022015). Collection method: clinical testing. Allele origin: germline.
Comment: This sequence change replaces glycine, which is neutral and non-polar, with arginine, which is basic and polar, at codon 86 of the CTSD protein (p.Gly86Arg). This variant is not present in population databases (gnomAD no frequency). This variant has not been reported in the literature in individuals affected with CTSD-related conditions. ClinVar contains an entry for this variant (Variation ID: 1396731). Advanced modeling of protein sequence and biophysical properties (such as structural, functional, and spatial information, amino acid conservation, physicochemical variation, residue mobility, and thermodynamic stability) performed at Invitae indicates that this missense variant is expected to disrupt CTSD protein function. In summary, the available evidence is currently insufficient to determine the role of this variant in disease. Therefore, it has been classified as a Variant of Uncertain Significance.

NM_001909.5(CTSD):c.256G>A (p.Gly86Arg)

Gene: CTSD (cathepsin D; minus strand). Cytogenetic location: 11p15.5.
Variant type: single nucleotide variant.
Coding change: c.256G>A on transcript NM_001909.5 (MANE Select); coding-DNA position 256, G replaced by A.
Protein change: p.Gly86Arg; replaces glycine 86 with arginine.
Molecular consequence: missense variant.
Genome position (GRCh38, 1-based): chr11:1,759,612, C>T on the plus strand (G>A on the coding strand, the complement: CTSD is on the minus strand). VCF-style: chr11-1759612-C-T. GRCh37 (hg19) VCF-style: chr11-1780842-C-T.
Other names: short protein forms G86R.
Identifiers: ClinVar variation 1396731 (VCV001396731.4), dbSNP rs1845850566, ClinGen allele CA379098506.